The following is an entry in ClinVar:

ClinVar aggregate classification (germline): Uncertain significance (1 of 4 stars; one submission).

Submission:

Labcorp Genetics (formerly Invitae), Labcorp
Classification: Uncertain significance. Last evaluated: 2022-01-26. Review status: criteria provided, single submitter. Criteria: Invitae Variant Classification Sherloc (09022015). Collection method: clinical testing. Allele origin: germline.
Comment: This sequence change replaces alanine, which is neutral and non-polar, with glycine, which is neutral and non-polar, at codon 148 of the DCHS1 protein (p.Ala148Gly). This variant is not present in population databases (gnomAD no frequency). This variant has not been reported in the literature in individuals affected with DCHS1-related conditions. Advanced modeling of protein sequence and biophysical properties (such as structural, functional, and spatial information, amino acid conservation, physicochemical variation, residue mobility, and thermodynamic stability) performed at Invitae indicates that this missense variant is not expected to disrupt DCHS1 protein function. In summary, the available evidence is currently insufficient to determine the role of this variant in disease. Therefore, it has been classified as a Variant of Uncertain Significance.

NM_003737.4(DCHS1):c.443C>G (p.Ala148Gly)

Gene: DCHS1 (dachsous cadherin-related 1; minus strand). Cytogenetic location: 11p15.4.
Variant type: single nucleotide variant.
Coding change: c.443C>G on transcript NM_003737.4 (MANE Select); coding-DNA position 443, C replaced by G.
Protein change: p.Ala148Gly; replaces alanine 148 with glycine.
Molecular consequence: missense variant.
Genome position (GRCh38, 1-based): chr11:6,641,171, G>C on the plus strand (C>G on the coding strand, the complement: DCHS1 is on the minus strand). VCF-style: chr11-6641171-G-C. GRCh37 (hg19) VCF-style: chr11-6662402-G-C.
Other names: short protein forms A148G.
Identifiers: ClinVar variation 2089673 (VCV002089673.4), dbSNP rs2493843230, ClinGen allele CA379442695.